The following is an entry in ClinVar:

ClinVar aggregate classification (germline): Uncertain significance. Review status: criteria provided, multiple submitters, no conflicts (2 of 4 stars). 2 submissions from 2 submitters: Uncertain significance (2). Last evaluated 2022-01-28.

Conditions:
Charcot-Marie-Tooth disease type 2. Also called: Charcot-Marie-Tooth type 2. Identifiers: Orphanet 64746, MedGen C0270914, MONDO:0018993.

Allele frequency attached by ClinVar (database versions not stated): ExAC 0.00003; gnomAD 0.00003; gnomAD exomes 0.00003.

Submissions (2):

Blueprint Genetics
Classification: Uncertain significance. Last evaluated: 2022-01-28. Review status: criteria provided, single submitter. Criteria: ACMG Guidelines, 2015. Collection method: clinical testing. Allele origin: germline.

Labcorp Genetics (formerly Invitae), Labcorp
Classification: Uncertain significance for Charcot-Marie-Tooth disease type 2. Last evaluated: 2021-02-27. Review status: criteria provided, single submitter. Criteria: Invitae Variant Classification Sherloc (09022015). Collection method: clinical testing. Allele origin: germline.
Comment: This variant has not been reported in the literature in individuals with MFN2-related conditions. This variant is present in population databases (rs764268203, ExAC 0.05%). This sequence change replaces glutamic acid with aspartic acid at codon 722 of the MFN2 protein (p.Glu722Asp). The glutamic acid residue is moderately conserved and there is a small physicochemical difference between glutamic acid and aspartic acid. Advanced modeling of protein sequence and biophysical properties (such as structural, functional, and spatial information, amino acid conservation, physicochemical variation, residue mobility, and thermodynamic stability) performed at Invitae indicates that this missense variant is not expected to disrupt MFN2 protein function. In summary, the available evidence is currently insufficient to determine the role of this variant in disease. Therefore, it has been classified as a Variant of Uncertain Significance.

NM_014874.4(MFN2):c.2166G>C (p.Glu722Asp)

Gene: MFN2 (mitofusin 2; plus strand). Cytogenetic location: 1p36.22.
Variant type: single nucleotide variant.
Coding change: c.2166G>C on transcript NM_014874.4 (MANE Select); coding-DNA position 2166, G replaced by C.
Protein change: p.Glu722Asp; replaces glutamic acid 722 with aspartic acid.
Molecular consequence: missense variant.
Genome position (GRCh38, 1-based): chr1:12,009,688, G>C. VCF-style: chr1-12009688-G-C. GRCh37 (hg19) VCF-style: chr1-12069745-G-C.
Other names: c.2166G>C, p.Glu722Asp (NM_001127660.2); short protein forms E722D.
Identifiers: ClinVar variation 1444862 (VCV001444862.9), dbSNP rs764268203, ClinGen allele CA599350.